The following is an entry in ClinVar:

NM_181552.4(CUX1):c.216G>A (p.Lys72=)

Gene: CUX1 (cut like homeobox 1; plus strand). Cytogenetic location: 7q22.1.
Variant type: single nucleotide variant.
Coding change: c.216G>A on transcript NM_181552.4 (MANE Select); coding-DNA position 216, G replaced by A.
Protein change: p.Lys72=; no amino-acid change (lysine 72 retained).
Molecular consequence: synonymous variant.
Genome position (GRCh38, 1-based): chr7:102,070,365, G>A. VCF-style: chr7-102070365-G-A. GRCh37 (hg19) VCF-style: chr7-101713645-G-A.
Other names: c.249G>A, p.Lys83= (NM_001202543.2, NM_001202545.3, NM_001913.5 and 1 more transcripts); c.201G>A, p.Lys67= (NM_001202544.3); c.138G>A, p.Lys46= (NM_001202546.3).
Identifiers: ClinVar variation 5041819 (VCV005041819.1).

ClinVar aggregate classification (germline): Likely benign (1 of 4 stars; one submission).

gnomAD v4.1: 1 of 1,609,354 alleles (0.000062%); highest among the groups gnomAD compares: South Asian, 0.0011%; no homozygotes.

Submission:

CeGaT Center for Human Genetics Tuebingen
Classification: Likely benign. Last evaluated: 2026-09-01. Review status: criteria provided, single submitter. Criteria: CeGaT Center For Human Genetics Tuebingen Variant Classification Criteria Version 2. Collection method: clinical testing. Allele origin: germline. Affected: yes. Observed: 1 variant allele.
Comment: CUX1: BP4, BP7